The following is an entry in ClinVar:

NM_015978.3(TNNI3K):c.731G>T (p.Arg244Leu)

Genes: FPGT-TNNI3K (FPGT-TNNI3K readthrough; plus strand), TNNI3K (TNNI3 interacting kinase; plus strand). Cytogenetic location: 1p31.1.
Variant type: single nucleotide variant.
Coding change: c.731G>T on transcript NM_015978.3 (MANE Select); coding-DNA position 731, G replaced by T.
Protein change: p.Arg244Leu; replaces arginine 244 with leucine.
Molecular consequence: missense variant.
Genome position (GRCh38, 1-based): chr1:74,342,890, G>T. VCF-style: chr1-74342890-G-T. GRCh37 (hg19) VCF-style: chr1-74808574-G-T.
Other names: c.1034G>T, p.Arg345Leu (NM_001112808.3, NM_001199327.2); short protein forms R244L, R345L.
Identifiers: ClinVar variation 1941266 (VCV001941266.7), dbSNP rs779542189, ClinGen allele CA340781570.

ClinVar aggregate classification (germline): Uncertain significance. Review status: criteria provided, multiple submitters, no conflicts (2 of 4 stars). 3 submissions from 3 submitters: Uncertain significance (3). Last evaluated 2025-12-09.

Conditions:
Primary dilated cardiomyopathy (DCM). Also called: Dilated Cardiomyopathy. Identifiers: Orphanet 217604, MedGen C0007193, MeSH D002311, MONDO:0005021, HP:0001644. Inheritance: Various modes of inheritance.
Atrial conduction disease. Identifiers: Orphanet 436242, MedGen CN221670, MONDO:0014500.

gnomAD v4.1: 14 of 1,613,626 alleles (0.00087%); highest among the groups gnomAD compares: Admixed American, 0.0017%; no homozygotes.

Submissions (3):

Labcorp Genetics (formerly Invitae), Labcorp
Classification: Uncertain significance. Last evaluated: 2025-12-09. Review status: criteria provided, single submitter. Criteria: Invitae Variant Classification Sherloc (09022015). Collection method: clinical testing. Allele origin: germline.
Comment: This sequence change replaces arginine, which is basic and polar, with leucine, which is neutral and non-polar, at codon 244 of the TNNI3K protein (p.Arg244Leu). This variant is present in population databases (no rsID available, gnomAD 0.003%). This variant has not been reported in the literature in individuals affected with TNNI3K-related conditions. ClinVar contains an entry for this variant (Variation ID: 1941266). Invitae Evidence Modeling of protein sequence and biophysical properties (such as structural, functional, and spatial information, amino acid conservation, physicochemical variation, residue mobility, and thermodynamic stability) indicates that this missense variant is not expected to disrupt TNNI3K protein function with a negative predictive value of 80%. In summary, the available evidence is currently insufficient to determine the role of this variant in disease. Therefore, it has been classified as a Variant of Uncertain Significance.

Genome-Nilou Lab
Classification: Uncertain significance for Cardiac conduction disease with or without dilated cardiomyopathy 1. Last evaluated: 2023-04-11. Review status: criteria provided, single submitter. Criteria: ACMG Guidelines, 2015. Collection method: clinical testing. Allele origin: germline. Affected: no.

KardioGenetik, Herz- und Diabeteszentrum NRW
Classification: Uncertain significance for Primary dilated cardiomyopathy. Last evaluated: 2022-11-08. Review status: criteria provided, single submitter. Criteria: ACMG Guidelines, 2015. Collection method: clinical testing. Allele origin: maternal. Affected: yes. Observed: 1 variant allele.